The following is an entry in ClinVar:

NM_001365276.2(TNXB):c.3033C>T (p.Asp1011=)

Gene: TNXB (tenascin XB; minus strand). Cytogenetic location: 6p21.33.
Variant type: single nucleotide variant.
Coding change: c.3033C>T on transcript NM_001365276.2 (MANE Select); coding-DNA position 3033, C replaced by T.
Protein change: p.Asp1011=; no amino-acid change (aspartic acid 1011 retained).
Molecular consequence: synonymous variant.
Genome position (GRCh38, 1-based): chr6:32,085,865, G>A on the plus strand (C>T on the coding strand, the complement: TNXB is on the minus strand). VCF-style: chr6-32085865-G-A. GRCh37 (hg19) VCF-style: chr6-32053642-G-A.
Other names: c.3033C>T, p.Asp1011= (NM_019105.8).
Identifiers: ClinVar variation 1702324 (VCV001702324.30), dbSNP rs756743577, ClinGen allele CA3735266.

ClinVar aggregate classification (germline): Conflicting classifications of pathogenicity. Review status: criteria provided, conflicting classifications (1 of 4 stars). 4 submissions from 4 submitters: Uncertain significance (1); Likely benign (3). Last evaluated 2026-01-04.

Conditions:
Ehlers-Danlos syndrome (EDS). Identifiers: Orphanet 98249, MedGen C0013720, MONDO:0020066.
Cardiovascular phenotype. Identifiers: MedGen CN230736.

Allele frequency attached by ClinVar (database versions not stated): gnomAD exomes 0.00002 and 0.00004; ExAC 0.00003; gnomAD 0.00003; TOPMed 0.00005.
gnomAD v4.1: 28 of 1,608,596 alleles (0.0017%); highest among the groups gnomAD compares: South Asian, 0.011%; no homozygotes.

Submissions (4):

Labcorp Genetics (formerly Invitae), Labcorp
Classification: Likely benign. Last evaluated: 2026-01-04. Review status: criteria provided, single submitter. Criteria: Invitae Variant Classification Sherloc (09022015). Collection method: clinical testing. Allele origin: germline.

CeGaT Center for Human Genetics Tuebingen
Classification: Likely benign. Last evaluated: 2022-12-01. Review status: criteria provided, single submitter. Criteria: CeGaT Center For Human Genetics Tuebingen Variant Classification Criteria Version 2. Collection method: clinical testing. Allele origin: germline. Affected: yes. Observed: 1 variant allele.
Comment: TNXB: BP4, BP7

Genome Diagnostics Laboratory, The Hospital for Sick Children
Classification: Uncertain significance for Ehlers-Danlos syndrome. Last evaluated: 2021-02-17. Review status: criteria provided, single submitter. Criteria: ACMG Guidelines, 2015. Collection method: clinical testing. Allele origin: germline.

Ambry Genetics
Classification: Likely benign for Cardiovascular phenotype. Last evaluated: 2020-08-09. Review status: criteria provided, single submitter. Criteria: Ambry Variant Classification Scheme 2023. Collection method: clinical testing. Allele origin: germline.